The following is an entry in ClinVar:

NM_000732.6(CD3D):c.163A>C (p.Ile55Leu)

Gene: CD3D (CD3 delta subunit of T-cell receptor complex; minus strand). Cytogenetic location: 11q23.3.
Variant type: single nucleotide variant.
Coding change: c.163A>C on transcript NM_000732.6 (MANE Select); coding-DNA position 163, A replaced by C.
Protein change: p.Ile55Leu; replaces isoleucine 55 with leucine.
Molecular consequence: missense variant.
Genome position (GRCh38, 1-based): chr11:118,340,486, T>G on the plus strand (A>C on the coding strand, the complement: CD3D is on the minus strand). VCF-style: chr11-118340486-T-G. GRCh37 (hg19) VCF-style: chr11-118211201-T-G.
Other names: c.163A>C, p.Ile55Leu (NM_001040651.2); short protein forms I55L.
Identifiers: ClinVar variation 1357662 (VCV001357662.5), dbSNP rs1313114791, ClinGen allele CA382789334.

ClinVar aggregate classification (germline): Uncertain significance (1 of 4 stars; one submission).

Conditions:
Immunodeficiency 19 (IMD19). Also called: CD3-DELTA DEFICIENCY; SEVERE COMBINED IMMUNODEFICIENCY, T CELL-NEGATIVE, B CELL-POSITIVE, NK CELL-POSITIVE; SCID, T CELL-NEGATIVE, B CELL-POSITIVE, NK CELL-POSITIVE; IMMUNODEFICIENCY 19, SEVERE COMBINED. Identifiers: MedGen C3810147, MONDO:0014280, OMIM 615617.

Allele frequency attached by ClinVar (database versions not stated): TOPMed below 0.00001; gnomAD exomes below 0.00001.
gnomAD v4.1: 1 of 1,614,062 alleles (0.000062%); highest among the groups gnomAD compares: Admixed American, 0.0017%; no homozygotes.

Submission:

Labcorp Genetics (formerly Invitae), Labcorp
Classification: Uncertain significance for Immunodeficiency 19. Last evaluated: 2021-08-24. Review status: criteria provided, single submitter. Criteria: Invitae Variant Classification Sherloc (09022015). Collection method: clinical testing. Allele origin: germline.
Comment: This sequence change replaces isoleucine with leucine at codon 55 of the CD3D protein (p.Ile55Leu). The isoleucine residue is weakly conserved and there is a small physicochemical difference between isoleucine and leucine. This variant is not present in population databases (ExAC no frequency). This variant has not been reported in the literature in individuals affected with CD3D-related conditions. Algorithms developed to predict the effect of missense changes on protein structure and function (SIFT, PolyPhen-2, Align-GVGD) all suggest that this variant is likely to be tolerated. In summary, the available evidence is currently insufficient to determine the role of this variant in disease. Therefore, it has been classified as a Variant of Uncertain Significance.